The following is an entry in ClinVar:

NM_001734.5(C1S):c.1427T>C (p.Val476Ala)

Gene: C1S (complement C1s; plus strand). Cytogenetic location: 12p13.31.
Variant type: single nucleotide variant.
Coding change: c.1427T>C on transcript NM_001734.5 (MANE Select); coding-DNA position 1427, T replaced by C.
Protein change: p.Val476Ala; replaces valine 476 with alanine.
Molecular consequence: missense variant.
Genome position (GRCh38, 1-based): chr12:7,070,011, T>C. VCF-style: chr12-7070011-T-C. GRCh37 (hg19) VCF-style: chr12-7177315-T-C.
Other names: c.926T>C, p.Val309Ala (NM_001346850.2); c.1427T>C, p.Val476Ala (NM_201442.4); short protein forms V309A, V476A.
Identifiers: ClinVar variation 2837217 (VCV002837217.3), dbSNP rs2539607292, ClinGen allele CA383704362.
Genomic context (GRCh38, chr12:7,070,011, plus strand): 5'-ACAACCCATGGGCTGGTGGAGCGCTCATTAATGAGTACTGGGTGCTGACGGCTGCTCATG[T>C]TGTGGAGGGAAACAGGGAGCCAACAATGTATGTTGGGTCCACCTCAGTGCAGACCTCACG-3'
Protein context (NP_001725.1, residues 466-486): NEYWVLTAAH[Val476Ala]VEGNREPTMY

ClinVar aggregate classification (germline): Uncertain significance (1 of 4 stars; one submission).

Allele frequency attached by ClinVar (database versions not stated): gnomAD exomes below 0.00001.
gnomAD v4.1: 2 of 1,614,174 alleles (0.00012%); highest among the groups gnomAD compares: Non-Finnish European, 0.00017%; no homozygotes.

Submission:

Labcorp Genetics (formerly Invitae), Labcorp
Classification: Uncertain significance. Last evaluated: 2023-02-14. Review status: criteria provided, single submitter. Criteria: Invitae Variant Classification Sherloc (09022015). Collection method: clinical testing. Allele origin: germline.
Comment: This sequence change replaces valine, which is neutral and non-polar, with alanine, which is neutral and non-polar, at codon 476 of the C1S protein (p.Val476Ala). This variant is not present in population databases (gnomAD no frequency). This variant has not been reported in the literature in individuals affected with C1S-related conditions. Algorithms developed to predict the effect of missense changes on protein structure and function (SIFT, PolyPhen-2, Align-GVGD) all suggest that this variant is likely to be disruptive. In summary, the available evidence is currently insufficient to determine the role of this variant in disease. Therefore, it has been classified as a Variant of Uncertain Significance.